The following is an entry in ClinVar:

ClinVar aggregate classification (germline): Uncertain significance. Review status: criteria provided, multiple submitters, no conflicts (2 of 4 stars). 4 submissions from 4 submitters: Uncertain significance (4). Last evaluated 2025-10-18.

Conditions:
Hereditary cancer-predisposing syndrome. Also called: Hereditary neoplastic syndrome; Neoplastic Syndromes, Hereditary; Tumor predisposition; Hereditary Cancer Syndrome. Identifiers: Orphanet 140162, MedGen C0027672, MeSH D009386, MONDO:0015356.
Familial adenomatous polyposis 1 (FAP1). Also called: POLYPOSIS, ADENOMATOUS INTESTINAL; FAMILIAL ADENOMATOUS POLYPOSIS 1, ATTENUATED. Identifiers: MedGen C2713442, MONDO:0021056, OMIM 175100. Disease mechanism: loss of function.
Classic or attenuated familial adenomatous polyposis. Identifiers: MedGen CN372698, MONDO:0021057.

Allele frequency attached by ClinVar (database versions not stated): gnomAD exomes below 0.00001; TOPMed below 0.00001; gnomAD 0.00001.
gnomAD v4.1: 4 of 1,613,934 alleles (0.00025%); highest among the groups gnomAD compares: Non-Finnish European, 0.00034%; no homozygotes.

Submissions (4):

Labcorp Genetics (formerly Invitae), Labcorp
Classification: Uncertain significance for Familial adenomatous polyposis 1. Last evaluated: 2025-10-18. Review status: criteria provided, single submitter. Criteria: Invitae Variant Classification Sherloc (09022015). Collection method: clinical testing. Allele origin: germline.
Comment: This sequence change replaces histidine, which is basic and polar, with arginine, which is basic and polar, at codon 1490 of the APC protein (p.His1490Arg). This variant is not present in population databases (gnomAD no frequency). This variant has not been reported in the literature in individuals affected with APC-related conditions. ClinVar contains an entry for this variant (Variation ID: 469966). Invitae Evidence Modeling of protein sequence and biophysical properties (such as structural, functional, and spatial information, amino acid conservation, physicochemical variation, residue mobility, and thermodynamic stability) indicates that this missense variant is not expected to disrupt APC protein function with a negative predictive value of 95%. In summary, the available evidence is currently insufficient to determine the role of this variant in disease. Therefore, it has been classified as a Variant of Uncertain Significance.

All of Us Research Program, National Institutes of Health
Classification: Uncertain significance for Classic or attenuated familial adenomatous polyposis. Last evaluated: 2024-05-14. Review status: criteria provided, single submitter. Criteria: ACMG Guidelines, 2015. Collection method: clinical testing. Allele origin: germline. Inheritance: Autosomal dominant inheritance. Observed: 1 variant allele, 1 heterozygote.
Comment: This missense variant replaces histidine with arginine at codon 1490 of the APC protein. Computational prediction suggests that this variant may not impact protein structure and function (internally defined REVEL score threshold <= 0.5, PMID: 27666373). To our knowledge, functional studies have not been reported for this variant. This variant has not been reported in individuals affected with APC-related disorders in the literature. This variant has not been identified in the general population by the Genome Aggregation Database (gnomAD). The available evidence is insufficient to determine the role of this variant in disease conclusively. Therefore, this variant is classified as a Variant of Uncertain Significance.

This study involves interpretation of variants in research participants for the purpose of population health screening. Participant phenotype was not available at the time of variant classification. Additional details can be found in publication PMID: 35346344, PMCID: PMC8962531

Color Diagnostics, LLC DBA Color Health
Classification: Uncertain significance for Hereditary cancer-predisposing syndrome. Last evaluated: 2023-12-05. Review status: criteria provided, single submitter. Criteria: ACMG Guidelines, 2015. Collection method: clinical testing. Allele origin: germline.
Comment: This missense variant replaces histidine with arginine at codon 1490 of the APC protein. Computational prediction suggests that this variant may not impact protein structure and function (internally defined REVEL score threshold <= 0.5, PMID: 27666373). To our knowledge, functional studies have not been reported for this variant. This variant has not been reported in individuals affected with APC-related disorders in the literature. This variant has not been identified in the general population by the Genome Aggregation Database (gnomAD). The available evidence is insufficient to determine the role of this variant in disease conclusively. Therefore, this variant is classified as a Variant of Uncertain Significance.

Ambry Genetics
Classification: Uncertain significance for Hereditary cancer-predisposing syndrome. Last evaluated: 2022-06-20. Review status: criteria provided, single submitter. Criteria: Ambry Variant Classification Scheme 2023. Collection method: clinical testing. Allele origin: germline.
Comment: The p.H1490R variant (also known as c.4469A>G), located in coding exon 15 of the APC gene, results from an A to G substitution at nucleotide position 4469. The histidine at codon 1490 is replaced by arginine, an amino acid with highly similar properties. This amino acid position is highly conserved in available vertebrate species. In addition, in silico predictors for this gene do not accurately predict pathogenicity. Since supporting evidence is limited at this time, the clinical significance of this alteration remains unclear.

NM_000038.6(APC):c.4469A>G (p.His1490Arg)

Gene: APC (APC regulator of Wnt signaling pathway; plus strand). Cytogenetic location: 5q22.2.
Variant type: single nucleotide variant.
Coding change: c.4469A>G on transcript NM_000038.6 (MANE Select); coding-DNA position 4469, A replaced by G.
Protein change: p.His1490Arg; replaces histidine 1490 with arginine.
Molecular consequence: missense variant.
Genome position (GRCh38, 1-based): chr5:112,840,063, A>G. VCF-style: chr5-112840063-A-G. GRCh37 (hg19) VCF-style: chr5-112175760-A-G.
Other names: c.4469A>G, p.His1490Arg (NM_001127510.3, NM_001354895.2); c.4415A>G, p.His1472Arg (NM_001127511.3); c.4523A>G, p.His1508Arg (NM_001354896.2); c.4499A>G, p.His1500Arg (NM_001354897.2); c.4394A>G, p.His1465Arg (NM_001354898.2); c.4385A>G, p.His1462Arg (NM_001354899.2); c.4346A>G, p.His1449Arg (NM_001354900.2); c.4292A>G, p.His1431Arg (NM_001354901.2); and 5 more; short protein forms H1490R, H1472R, H1207R, H1330R, H1364R, H1389R, H1399R, H1465R.
Identifiers: ClinVar variation 469966 (VCV000469966.20), dbSNP rs1408228956, ClinGen allele CA16031113.
Genomic context (GRCh38, chr5:112,840,063, plus strand): 5'-CTGCAGTAAATGCTGCAGTTCAGAGGGTCCAGGTTCTTCCAGATGCTGATACTTTATTAC[A>G]TTTTGCCACGGAAAGTACTCCAGATGGATTTTCTTGTTCATCCAGCCTGAGTGCTCTGAG-3'
Protein context (NP_000029.2, residues 1480-1500): QVLPDADTLL[His1490Arg]FATESTPDGF